The following is an entry in ClinVar:

ClinVar aggregate classification (germline): Conflicting classifications of pathogenicity. Review status: criteria provided, conflicting classifications (1 of 4 stars). 4 submissions from 4 submitters: Likely pathogenic (1); Uncertain significance (3). Last evaluated 2025-10-29.

Conditions:
Familial adenomatous polyposis 2. Also called: FAP type 2; COLORECTAL ADENOMATOUS POLYPOSIS, AUTOSOMAL RECESSIVE; ADENOMAS, MULTIPLE COLORECTAL, AUTOSOMAL RECESSIVE; Adenomas, multiple colorectal; MUTYH Polyposis; MYH-associated polyposis. Identifiers: Orphanet 220460, Orphanet 247798, MedGen C3272841, MONDO:0012041, OMIM 608456.
Hereditary cancer-predisposing syndrome. Also called: Neoplastic Syndromes, Hereditary; Tumor predisposition; Hereditary Cancer Syndrome; Hereditary neoplastic syndrome. Identifiers: Orphanet 140162, MedGen C0027672, MeSH D009386, MONDO:0015356.

Submissions (4):

Labcorp Genetics (formerly Invitae), Labcorp
Classification: Uncertain significance for Familial adenomatous polyposis 2. Last evaluated: 2025-10-29. Review status: criteria provided, single submitter. Criteria: Invitae Variant Classification Sherloc (09022015). Collection method: clinical testing. Allele origin: germline.
Comment: This sequence change replaces glutamine, which is neutral and polar, with histidine, which is basic and polar, at codon 280 of the MUTYH protein (p.Gln280His). This variant is not present in population databases (gnomAD no frequency). This variant has not been reported in the literature in individuals affected with MUTYH-related conditions. ClinVar contains an entry for this variant (Variation ID: 3074654). An algorithm developed to predict the effect of missense changes on protein structure and function (PolyPhen-2) suggests that this variant is likely to be disruptive. In summary, the available evidence is currently insufficient to determine the role of this variant in disease. Therefore, it has been classified as a Variant of Uncertain Significance.

Ambry Genetics
Classification: Likely pathogenic for Hereditary cancer-predisposing syndrome. Last evaluated: 2025-08-15. Review status: criteria provided, single submitter. Criteria: Ambry Variant Classification Scheme 2023. Collection method: clinical testing. Allele origin: germline.
Comment: The p.Q280H variant (also known as c.840A>C), located in coding exon 10 of the MUTYH gene, results from an A to C substitution at nucleotide position 840. The glutamine at codon 280 is replaced by histidine, an amino acid with highly similar properties. In a massively parallel cell-based functional assay testing 7,8-dihydro-8- oxoguanine:adenine (8OG:A) repair activity, a byproduct of oxidative damage, this variant was reported to be non-functional (Hemker SL et al. Am J Hum Genet. Published online July 29, 2025. DOI: 10.1016/j.ajhg.2025.07.005). This amino acid position is highly conserved in available vertebrate species. In addition, this alteration is predicted to be deleterious by in silico analysis. This variant is considered to be rare based on population cohorts in the Genome Aggregation Database (gnomAD). Based on the majority of available evidence to date, this variant is likely to be pathogenic.

All of Us Research Program, National Institutes of Health
Classification: Uncertain significance for Familial adenomatous polyposis 2. Last evaluated: 2023-11-20. Review status: criteria provided, single submitter. Criteria: ACMG Guidelines, 2015. Collection method: clinical testing. Allele origin: germline. Inheritance: Autosomal recessive inheritance. Observed: 1 variant allele, 1 heterozygote.
Comment: This missense variant replaces glutamine with histidine at codon 280 of the MUTYH protein. Computational prediction suggests that this variant may have deleterious impact on protein structure and function (internally defined REVEL score threshold >= 0.7, PMID: 27666373). To our knowledge, functional studies have not been reported for this variant. This variant has not been reported in individuals affected with MUTYH-related disorders in the literature. This variant has not been identified in the general population by the Genome Aggregation Database (gnomAD). The available evidence is insufficient to determine the role of this variant in disease conclusively. Therefore, this variant is classified as a Variant of Uncertain Significance.

This study involves interpretation of variants in research participants for the purpose of population health screening. Participant phenotype was not available at the time of variant classification. Additional details can be found in publication PMID: 35346344, PMCID: PMC8962531

Blueprint Genetics
Classification: Uncertain significance. Last evaluated: 2023-10-10. Review status: criteria provided, single submitter. Criteria: ACMG Guidelines, 2015. Collection method: clinical testing. Allele origin: germline.

Literature cited by the submitters: PubMed 40738107 (cited by Ambry Genetics).

NM_001048174.2(MUTYH):c.756A>C (p.Gln252His)

Gene: MUTYH (mutY DNA glycosylase; minus strand). Cytogenetic location: 1p34.1.
Variant type: single nucleotide variant.
Coding change: c.756A>C on transcript NM_001048174.2 (MANE Select); coding-DNA position 756, A replaced by C.
Protein change: p.Gln252His; replaces glutamine 252 with histidine.
Molecular consequence: missense variant. On other transcripts: non-coding transcript variant (7).
Genome position (GRCh38, 1-based): chr1:45,332,259, T>G on the plus strand (A>C on the coding strand, the complement: MUTYH is on the minus strand). VCF-style: chr1-45332259-T-G. GRCh37 (hg19) VCF-style: chr1-45797931-T-G.
Other names: c.756A>C, p.Gln252His (NM_001048171.2, NM_001048173.2, NM_001293195.2 and 6 more transcripts); c.759A>C, p.Gln253His (NM_001048172.2, NM_001407071.1, NM_001407078.1 and 1 more transcripts); c.840A>C, p.Gln280His (NM_001128425.2); c.801A>C, p.Gln267His (NM_001293190.2); c.789A>C, p.Gln263His (NM_001293191.2, NM_001407069.1, NM_001407077.1); c.480A>C, p.Gln160His (NM_001293192.2, NM_001293196.2, NM_001407091.1); c.411A>C, p.Gln137His (NM_001350650.2, NM_001350651.2, NM_001407082.1); c.672A>C, p.Gln224His (NM_001407075.1); and 5 more; short protein forms Q137H, Q160H, Q224H, Q238H, Q239H, Q252H, Q253H, Q259H.
Identifiers: ClinVar variation 3074654 (VCV003074654.5), dbSNP rs2524085166, ClinGen allele CA340134623.